The following is an entry in ClinVar:

NM_031220.4(PITPNM3):c.355G>T (p.Gly119Cys)

Gene: PITPNM3 (PITPNM family member 3; minus strand). Cytogenetic location: 17p13.2.
Variant type: single nucleotide variant.
Coding change: c.355G>T on transcript NM_031220.4 (MANE Select); coding-DNA position 355, G replaced by T.
Protein change: p.Gly119Cys; replaces glycine 119 with cysteine.
Molecular consequence: missense variant.
Genome position (GRCh38, 1-based): chr17:6,483,749, C>A on the plus strand (G>T on the coding strand, the complement: PITPNM3 is on the minus strand). VCF-style: chr17-6483749-C-A. GRCh37 (hg19) VCF-style: chr17-6387069-C-A.
Other names: c.247G>T, p.Gly83Cys (NM_001165966.2); short protein forms G119C, G83C.
Identifiers: ClinVar variation 2052894 (VCV002052894.4), dbSNP rs976769360, ClinGen allele CA397411290.

ClinVar aggregate classification (germline): Uncertain significance (1 of 4 stars; one submission).

gnomAD v4.1: 5 of 1,611,846 alleles (0.00031%); highest among the groups gnomAD compares: South Asian, 0.0044%; no homozygotes.

Submission:

Labcorp Genetics (formerly Invitae), Labcorp
Classification: Uncertain significance. Last evaluated: 2023-08-04. Review status: criteria provided, single submitter. Criteria: Invitae Variant Classification Sherloc (09022015). Collection method: clinical testing. Allele origin: germline.
Comment: Advanced modeling of protein sequence and biophysical properties (such as structural, functional, and spatial information, amino acid conservation, physicochemical variation, residue mobility, and thermodynamic stability) performed at Invitae indicates that this missense variant is not expected to disrupt PITPNM3 protein function. Algorithms developed to predict the effect of sequence changes on RNA splicing suggest that this variant may disrupt the consensus splice site. In summary, the available evidence is currently insufficient to determine the role of this variant in disease. Therefore, it has been classified as a Variant of Uncertain Significance. This sequence change replaces glycine, which is neutral and non-polar, with cysteine, which is neutral and slightly polar, at codon 119 of the PITPNM3 protein (p.Gly119Cys). This variant is not present in population databases (gnomAD no frequency). This variant has not been reported in the literature in individuals affected with PITPNM3-related conditions. ClinVar contains an entry for this variant (Variation ID: 2052894).